The following is an entry in ClinVar:

NM_173551.5(ANKS6):c.2080C>T (p.Pro694Ser)

Gene: ANKS6 (ankyrin repeat and sterile alpha motif domain containing 6; minus strand). Cytogenetic location: 9q22.33.
Variant type: single nucleotide variant.
Coding change: c.2080C>T on transcript NM_173551.5 (MANE Select); coding-DNA position 2080, C replaced by T.
Protein change: p.Pro694Ser; replaces proline 694 with serine.
Molecular consequence: missense variant.
Genome position (GRCh38, 1-based): chr9:98,768,143, G>A on the plus strand (C>T on the coding strand, the complement: ANKS6 is on the minus strand). VCF-style: chr9-98768143-G-A. GRCh37 (hg19) VCF-style: chr9-101530425-G-A.
Other names: short protein forms P694S.
Identifiers: ClinVar variation 2722601 (VCV002722601.4), dbSNP rs368130782, ClinGen allele CA5153270.

ClinVar aggregate classification (germline): Uncertain significance. Review status: criteria provided, multiple submitters, no conflicts (2 of 4 stars). 2 submissions from 2 submitters: Uncertain significance (2). Last evaluated 2024-04-10.

Conditions:
Nephronophthisis 16 (NPHP16). Identifiers: Orphanet 655, MedGen C3809320, MONDO:0014158, OMIM 615382.

Allele frequency attached by ClinVar (database versions not stated): gnomAD exomes below 0.00001; ExAC 0.00002; TOPMed 0.00006; gnomAD 0.00007; ESP Exome Variant Server 0.00008.
gnomAD v4.1: 16 of 1,613,636 alleles (0.00099%); highest among the groups gnomAD compares: African/African-American, 0.016%; no homozygotes.

Submissions (2):

Fulgent Genetics
Classification: Uncertain significance for Nephronophthisis 16. Last evaluated: 2024-04-10. Review status: criteria provided, single submitter. Criteria: ACMG Guidelines, 2015. Collection method: clinical testing. Allele origin: germline.

Labcorp Genetics (formerly Invitae), Labcorp
Classification: Uncertain significance for Nephronophthisis 16. Last evaluated: 2023-06-13. Review status: criteria provided, single submitter. Criteria: Invitae Variant Classification Sherloc (09022015). Collection method: clinical testing. Allele origin: germline.
Comment: This sequence change replaces proline, which is neutral and non-polar, with serine, which is neutral and polar, at codon 694 of the ANKS6 protein (p.Pro694Ser). In summary, the available evidence is currently insufficient to determine the role of this variant in disease. Therefore, it has been classified as a Variant of Uncertain Significance. An algorithm developed to predict the effect of missense changes on protein structure and function (PolyPhen-2) suggests that this variant is likely to be tolerated. This variant has not been reported in the literature in individuals affected with ANKS6-related conditions. This variant is present in population databases (rs368130782, gnomAD 0.01%).